The following is an entry in ClinVar:

ClinVar aggregate classification (germline): Likely pathogenic (1 of 4 stars; one submission).

Conditions:
Atelis syndrome 1 (ATELS1). Also called: POOR GROWTH, MICROCEPHALY, DEVELOPMENTAL DELAY, AND ANEMIA; MOSAIC VARIEGATED ANEUPLOIDY SYNDROME 5. Identifiers: MedGen C5774281, MONDO:0859575, OMIM 620184.

Submission:

Greenwood Genetic Center Diagnostic Laboratories, Greenwood Genetic Center
Classification: Likely pathogenic for Atelis syndrome 1. Last evaluated: 2025-04-21. Review status: criteria provided, single submitter. Criteria: ACMG Guidelines, 2015. Collection method: clinical testing. Allele origin: germline. Affected: yes.
Comment: PVS1, PM2

NM_018121.4(SLF2):c.1966_1969dup (p.Thr657fs)

Gene: SLF2 (SMC5/6 complex localization factor 2; plus strand). Cytogenetic location: 10q24.31.
Variant type: Microsatellite.
Coding change: c.1966_1969dup on transcript NM_018121.4 (MANE Select); coding-DNA positions 1966 to 1969, 4 bases duplicated (TATA; older notation c.1966_1969dupTATA).
Protein change: p.Thr657fs; shifts the reading frame from threonine 657.
Molecular consequence: frameshift variant.
Genome position (GRCh38, 1-based): chr10:100,924,967-100,924,970, TATA duplicated. VCF-style (leftmost placement, unchanged base first): chr10-100924966-C-CTATA. GRCh37 (hg19) VCF-style: chr10-102684723-C-CTATA.
Other names: c.1966_1969dup, p.Thr657fs (NM_001136123.2); short protein forms T657fs.
Identifiers: ClinVar variation 4538378 (VCV004538378.1).